The following is an entry in ClinVar:

ClinVar aggregate classification (germline): Conflicting classifications of pathogenicity. Review status: criteria provided, conflicting classifications (1 of 4 stars). 2 submissions from 2 submitters: Uncertain significance (1); Likely benign (1). Last evaluated 2025-03-10.

Allele frequency attached by ClinVar (database versions not stated): gnomAD 0.00001; gnomAD exomes 0.00001.
gnomAD v4.1: 8 of 1,489,060 alleles (0.00054%); highest among the groups gnomAD compares: Admixed American, 0.012%; no homozygotes.

Submissions (2):

Labcorp Genetics (formerly Invitae), Labcorp
Classification: Uncertain significance. Last evaluated: 2025-03-10. Review status: criteria provided, single submitter. Criteria: Invitae Variant Classification Sherloc (09022015). Collection method: clinical testing. Allele origin: germline.
Comment: This sequence change replaces proline, which is neutral and non-polar, with alanine, which is neutral and non-polar, at codon 1548 of the SETBP1 protein (p.Pro1548Ala). This variant is present in population databases (no rsID available, gnomAD 0.004%). This variant has not been reported in the literature in individuals affected with SETBP1-related conditions. ClinVar contains an entry for this variant (Variation ID: 1327881). Invitae Evidence Modeling of protein sequence and biophysical properties (such as structural, functional, and spatial information, amino acid conservation, physicochemical variation, residue mobility, and thermodynamic stability) indicates that this missense variant is not expected to disrupt SETBP1 protein function with a negative predictive value of 80%. In summary, the available evidence is currently insufficient to determine the role of this variant in disease. Therefore, it has been classified as a Variant of Uncertain Significance.

GeneDx
Classification: Likely benign. Last evaluated: 2021-06-11. Review status: criteria provided, single submitter. Criteria: GeneDx Variant Classification Process June 2021. Collection method: clinical testing. Allele origin: germline. Affected: yes.

NM_015559.3(SETBP1):c.4642C>G (p.Pro1548Ala)

Gene: SETBP1 (SET binding protein 1; plus strand). Cytogenetic location: 18q12.3.
Variant type: single nucleotide variant.
Coding change: c.4642C>G on transcript NM_015559.3 (MANE Select); coding-DNA position 4642, C replaced by G.
Protein change: p.Pro1548Ala; replaces proline 1548 with alanine.
Molecular consequence: missense variant.
Genome position (GRCh38, 1-based): chr18:45,063,549, C>G. VCF-style: chr18-45063549-C-G. GRCh37 (hg19) VCF-style: chr18-42643514-C-G.
Other names: c.4642C>G, p.Pro1548Ala (NM_001379141.1, NM_001379142.1); short protein forms P1548A.
Identifiers: ClinVar variation 1327881 (VCV001327881.9), dbSNP rs1274960889, ClinGen allele CA402483836.
Genomic context (GRCh38, chr18:45,063,549, plus strand): 5'-CCGCCCCTGCCGCCACCGCCGCCACCACCCCTGCCCCCGCCACCCCCTCTACCCAAGACC[C>G]CCCGAGGCGGAAAGAGGAAACACAAACCGCAGGCCCCCGCTCAGCCCCCACAGCAGTCGC-3'
Protein context (NP_056374.2, residues 1538-1558): LPPPPPLPKT[Pro1548Ala]RGGKRKHKPQ